The following is an entry in ClinVar:

ClinVar aggregate classification (germline): Benign (0 of 4 stars; one submission).

Conditions:
CELSR1-related disorder. Also called: CELSR1-related condition.

Allele frequency attached by ClinVar (database versions not stated): 1000 Genomes Project 0.01837; 1000 Genomes Project 30x 0.02030; ESP Exome Variant Server 0.03415; gnomAD 0.03602; TOPMed 0.03685; gnomAD exomes 0.05248; ExAC 0.07078.
gnomAD v4.1: 79,252 of 1,564,282 alleles (5.1%); highest among the groups gnomAD compares: Non-Finnish European, 6%; 2,297 homozygotes.

Submission:

PreventionGenetics, part of Exact Sciences
Classification: Benign for CELSR1-related condition. Last evaluated: 2019-08-02. Review status: no assertion criteria provided. Collection method: clinical testing. Allele origin: germline.
Comment: This variant is classified as benign based on ACMG/AMP sequence variant interpretation guidelines (Richards et al. 2015 PMID: 25741868, with internal and published modifications).

NM_001378328.1(CELSR1):c.6939G>A (p.Pro2313=)

Gene: CELSR1 (cadherin EGF LAG seven-pass G-type receptor 1; minus strand). Cytogenetic location: 22q13.31.
Variant type: single nucleotide variant.
Coding change: c.6939G>A on transcript NM_001378328.1 (MANE Select); coding-DNA position 6939, G replaced by A.
Protein change: p.Pro2313=; no amino-acid change (proline 2313 retained).
Molecular consequence: synonymous variant.
Genome position (GRCh38, 1-based): chr22:46,381,995, C>T on the plus strand (G>A on the coding strand, the complement: CELSR1 is on the minus strand). VCF-style: chr22-46381995-C-T. GRCh37 (hg19) VCF-style: chr22-46777892-C-T.
Other names: c.6939G>A, p.Pro2313= (NM_014246.4).
Identifiers: ClinVar variation 3056131 (VCV003056131.2), dbSNP rs35385606, ClinGen allele CA10293566.